The following is an entry in ClinVar:

ClinVar aggregate classification (germline): Uncertain significance (1 of 4 stars; one submission).

Conditions:
X-linked severe congenital neutropenia (SCNX). Identifiers: Orphanet 86788, MedGen C1845987, MONDO:0010294, OMIM 300299.
Wiskott-Aldrich syndrome (WAS). Also called: ALDRICH SYNDROME; IMMUNODEFICIENCY 2; Wiskott-aldrich syndrome, somatic; WISKOTT-ALDRICH SYNDROME 1. Identifiers: Orphanet 906, MedGen C0043194, MONDO:0010518, OMIM 301000.
Thrombocytopenia 1. Also called: THROMBOCYTOPENIA, X-LINKED, 1; X-linked thrombocytopenia with normal platelets; X-Linked Thrombocytopenia (XLT). Identifiers: Orphanet 268322, Orphanet 852, MedGen C1839163, MONDO:0010743, OMIM 313900.

Submission:

Labcorp Genetics (formerly Invitae), Labcorp
Classification: Uncertain significance for Wiskott-Aldrich syndrome; X-linked severe congenital neutropenia; Thrombocytopenia 1. Last evaluated: 2021-05-21. Review status: criteria provided, single submitter. Criteria: Invitae Variant Classification Sherloc (09022015). Collection method: clinical testing. Allele origin: germline.
Comment: This variant has been observed in individual(s) with clinical features of WAS-related conditions (Invitae). This sequence change replaces serine with cysteine at codon 269 of the WAS protein (p.Ser269Cys). The serine residue is weakly conserved and there is a moderate physicochemical difference between serine and cysteine. This variant is not present in population databases (ExAC no frequency). Algorithms developed to predict the effect of missense changes on protein structure and function are either unavailable or do not agree on the potential impact of this missense change (SIFT: "Not Available"; PolyPhen-2: "Probably Damaging"; Align-GVGD: "Not Available"). In summary, the available evidence is currently insufficient to determine the role of this variant in disease. Therefore, it has been classified as a Variant of Uncertain Significance.

NM_000377.3(WAS):c.805A>T (p.Ser269Cys)

Gene: WAS (WASP actin nucleation promoting factor; plus strand). Cytogenetic location: Xp11.23.
Variant type: single nucleotide variant.
Coding change: c.805A>T on transcript NM_000377.3 (MANE Select); coding-DNA position 805, A replaced by T.
Protein change: p.Ser269Cys; replaces serine 269 with cysteine.
Molecular consequence: missense variant.
Genome position (GRCh38, 1-based): chrX:48,688,327, A>T. VCF-style: chrX-48688327-A-T. GRCh37 (hg19) VCF-style: chrX-48546716-A-T.
Other names: short protein forms S269C.
Identifiers: ClinVar variation 1432520 (VCV001432520.6), dbSNP rs2147265903, ClinGen allele CA412872207.